The following is an entry in ClinVar:

NM_001110556.2(FLNA):c.832A>G (p.Lys278Glu)

Gene: FLNA (filamin A; minus strand). Cytogenetic location: Xq28.
Variant type: single nucleotide variant.
Coding change: c.832A>G on transcript NM_001110556.2 (MANE Select); coding-DNA position 832, A replaced by G.
Protein change: p.Lys278Glu; replaces lysine 278 with glutamic acid.
Molecular consequence: missense variant.
Genome position (GRCh38, 1-based): chrX:154,367,433, T>C on the plus strand (A>G on the coding strand, the complement: FLNA is on the minus strand). VCF-style: chrX-154367433-T-C. GRCh37 (hg19) VCF-style: chrX-153595801-T-C.
Other names: c.832A>G, p.Lys278Glu (NM_001456.4); short protein forms K278E.
Identifiers: ClinVar variation 2941063 (VCV002941063.3), dbSNP rs2522763910, ClinGen allele CA415248409.

ClinVar aggregate classification (germline): Uncertain significance (1 of 4 stars; one submission).

Conditions:
Oto-palato-digital syndrome, type II (OPD2). Also called: FACIOPALATOOSSEOUS SYNDROME; OPD II SYNDROME; Otopalatodigital Syndrome, Type II; Otopalatodigital Syndrome Type 2 (FLNA-OPD2). Identifiers: Orphanet 669, Orphanet 90652, MedGen C1844696, MONDO:0010571, OMIM 304120.
Heterotopia, periventricular, X-linked dominant (PVNH1). Also called: PERIVENTRICULAR NODULAR HETEROTOPIA 1; X-linked periventricular heterotopia; PERIVENTRICULAR NODULAR HETEROTOPIA 4; HETEROTOPIA, PERIVENTRICULAR, 1. Identifiers: Orphanet 2149, Orphanet 82004, MedGen C1848213, MONDO:0010233, OMIM 300049.
Frontometaphyseal dysplasia (FMD1). Identifiers: Orphanet 1826, MedGen C0265293, MONDO:0015942.
Melnick-Needles syndrome (MNS). Also called: MELNICK-NEEDLES OSTEODYSPLASTY; OSTEODYSPLASTY OF MELNICK AND NEEDLES; Melnick-Needles Syndrome (FLNA-MNS). Identifiers: Orphanet 2484, MedGen C0025237, MONDO:0010650, OMIM 309350.

Submission:

Labcorp Genetics (formerly Invitae), Labcorp
Classification: Uncertain significance for Oto-palato-digital syndrome, type II; Heterotopia, periventricular, X-linked dominant; Frontometaphyseal dysplasia; Melnick-Needles syndrome. Last evaluated: 2024-12-02. Review status: criteria provided, single submitter. Criteria: Invitae Variant Classification Sherloc (09022015). Collection method: clinical testing. Allele origin: germline.
Comment: This sequence change replaces lysine, which is basic and polar, with glutamic acid, which is acidic and polar, at codon 278 of the FLNA protein (p.Lys278Glu). This variant is not present in population databases (gnomAD no frequency). This variant has not been reported in the literature in individuals affected with FLNA-related conditions. ClinVar contains an entry for this variant (Variation ID: 2941063). Invitae Evidence Modeling of protein sequence and biophysical properties (such as structural, functional, and spatial information, amino acid conservation, physicochemical variation, residue mobility, and thermodynamic stability) indicates that this missense variant is not expected to disrupt FLNA protein function with a negative predictive value of 95%. In summary, the available evidence is currently insufficient to determine the role of this variant in disease. Therefore, it has been classified as a Variant of Uncertain Significance.